The following is an entry in ClinVar:

ClinVar aggregate classification (germline): Uncertain significance (1 of 4 stars; one submission).

Conditions:
Myopathy with tubular aggregates (TAM). Also called: Tubular Aggregate Myopathy. Identifiers: Orphanet 2593, MedGen C0410207, MONDO:0008051.
Stormorken syndrome (STRMK). Also called: THROMBOCYTOPATHY, ASPLENIA, AND MIOSIS. Identifiers: Orphanet 3204, MedGen C1861451, MONDO:0008497, OMIM 185070.
Combined immunodeficiency due to STIM1 deficiency. Also called: IMMUNODEFICIENCY 10; STIM1 DEFICIENCY. Identifiers: Orphanet 169090, Orphanet 317430, MedGen C2748557, MONDO:0013008, OMIM 612783.

Submission:

Labcorp Genetics (formerly Invitae), Labcorp
Classification: Uncertain significance for Myopathy with tubular aggregates; Combined immunodeficiency due to STIM1 deficiency; Stormorken syndrome. Last evaluated: 2019-07-16. Review status: criteria provided, single submitter. Criteria: Invitae Variant Classification Sherloc (09022015). Collection method: clinical testing. Allele origin: germline.
Comment: This variant results in a copy number gain of the genomic region encompassing exons 2-12 of the STIM1 gene. The 5' boundary is likely confined to intron 1. The 3' end of this event is unknown as it extends beyond the assayed region for this gene and therefore may encompass additional genes. As the precise location of this event is unknown, it may be in tandem or it may be located elsewhere in the genome. This variant has not been reported in the literature in individuals with STIM1-related conditions. In summary, the available evidence is currently insufficient to determine the role of this variant in disease. Therefore, it has been classified as a Variant of Uncertain Significance.

NC_000011.10:g.(?_3967532)_(4091818_?)dup

Gene: STIM1 (stromal interaction molecule 1; plus strand). Cytogenetic location: 11p15.4.
Variant type: Duplication.
Identifiers: ClinVar variation 831765 (VCV000831765.6).